The following is an entry in ClinVar:

NM_023036.6(DNAI2):c.1415A>G (p.Gln472Arg)

Gene: DNAI2 (dynein axonemal intermediate chain 2; plus strand). Cytogenetic location: 17q25.1.
Variant type: single nucleotide variant.
Coding change: c.1415A>G on transcript NM_023036.6 (MANE Select); coding-DNA position 1415, A replaced by G.
Protein change: p.Gln472Arg; replaces glutamine 472 with arginine.
Molecular consequence: missense variant. On other transcripts: non-coding transcript variant (1).
Genome position (GRCh38, 1-based): chr17:74,310,084, A>G. VCF-style: chr17-74310084-A-G. GRCh37 (hg19) VCF-style: chr17-72306223-A-G.
Other names: c.1379A>G, p.Gln460Arg (NM_001172810.3); c.1415A>G, p.Gln472Arg (NM_001353167.2); short protein forms Q472R, Q460R.
Identifiers: ClinVar variation 454934 (VCV000454934.11), dbSNP rs765028301, ClinGen allele CA8745773.

ClinVar aggregate classification (germline): Uncertain significance. Review status: criteria provided, multiple submitters, no conflicts (2 of 4 stars). 3 submissions from 3 submitters: Uncertain significance (2). 1 of the submissions does not count toward it. Last evaluated 2025-08-13.

Conditions:
Primary ciliary dyskinesia. Also called: Ciliary dyskinesia. Identifiers: Orphanet 244, MedGen C0008780, MONDO:0016575, HP:0012265.

Allele frequency attached by ClinVar (database versions not stated): ExAC 0.00001; gnomAD 0.00001; gnomAD exomes 0.00001; TOPMed 0.00001.
gnomAD v4.1: 11 of 1,613,748 alleles (0.00068%); highest among the groups gnomAD compares: Non-Finnish European, 0.00093%; no homozygotes.

Submissions (3):

Ambry Genetics
Classification: Uncertain significance for Primary ciliary dyskinesia. Last evaluated: 2025-08-13. Review status: criteria provided, single submitter. Criteria: Ambry Variant Classification Scheme 2023. Collection method: clinical testing. Allele origin: germline.

Labcorp Genetics (formerly Invitae), Labcorp
Classification: Uncertain significance for Primary ciliary dyskinesia. Last evaluated: 2021-08-31. Review status: criteria provided, single submitter. Criteria: Invitae Variant Classification Sherloc (09022015). Collection method: clinical testing. Allele origin: germline.
Comment: This sequence change replaces glutamine with arginine at codon 472 of the DNAI2 protein (p.Gln472Arg). The glutamine residue is moderately conserved and there is a small physicochemical difference between glutamine and arginine. This variant is present in population databases (rs765028301, ExAC 0.002%). This variant has not been reported in the literature in individuals affected with DNAI2-related conditions. ClinVar contains an entry for this variant (Variation ID: 454934). Algorithms developed to predict the effect of missense changes on protein structure and function output the following: SIFT: "Deleterious"; PolyPhen-2: "Benign"; Align-GVGD: "Class C0". The arginine amino acid residue is found in multiple mammalian species, which suggests that this missense change does not adversely affect protein function. In summary, the available evidence is currently insufficient to determine the role of this variant in disease. Therefore, it has been classified as a Variant of Uncertain Significance.

Natera, Inc.
Classification: Uncertain significance for Primary ciliary dyskinesia. Last evaluated: 2019-11-11. Review status: no assertion criteria provided. Collection method: clinical testing. Allele origin: germline. Not counted in ClinVar's aggregate classification.